The following is an entry in ClinVar:

ClinVar aggregate classification (germline): Uncertain significance (1 of 4 stars; one submission).

Conditions:
Accelerated tumor formation, susceptibility to (ACTFS). Identifiers: MedGen C3280690, OMIM 614401, MONDO:0013733.

Submission:

Labcorp Genetics (formerly Invitae), Labcorp
Classification: Uncertain significance for Accelerated tumor formation, susceptibility to. Last evaluated: 2024-02-29. Review status: criteria provided, single submitter. Criteria: Invitae Variant Classification Sherloc (09022015). Collection method: clinical testing. Allele origin: germline.
Comment: This sequence change replaces aspartic acid, which is acidic and polar, with valine, which is neutral and non-polar, at codon 140 of the MDM2 protein (p.Asp140Val). This variant is not present in population databases (gnomAD no frequency). This variant has not been reported in the literature in individuals affected with MDM2-related conditions. Algorithms developed to predict the effect of missense changes on protein structure and function output the following: SIFT: "Not Available"; PolyPhen-2: "Benign"; Align-GVGD: "Not Available". The valine amino acid residue is found in multiple mammalian species, which suggests that this missense change does not adversely affect protein function. In summary, the available evidence is currently insufficient to determine the role of this variant in disease. Therefore, it has been classified as a Variant of Uncertain Significance.

NM_002392.6(MDM2):c.419A>T (p.Asp140Val)

Gene: MDM2 (MDM2 proto-oncogene; plus strand). Cytogenetic location: 12q15.
Variant type: single nucleotide variant.
Coding change: c.419A>T on transcript NM_002392.6 (MANE Select); coding-DNA position 419, A replaced by T.
Protein change: p.Asp140Val; replaces aspartic acid 140 with valine.
Molecular consequence: missense variant. On other transcripts: intron variant (3).
Genome position (GRCh38, 1-based): chr12:68,824,423, A>T. VCF-style: chr12-68824423-A-T. GRCh37 (hg19) VCF-style: chr12-69218203-A-T.
Other names: c.401A>T, p.Asp134Val (NM_001145337.3, NM_001367990.1); c.358+4049A>T (NM_001145339.2); c.156+10795A>T (NM_001278462.2, NM_001145340.3); short protein forms D134V, D140V.
Identifiers: ClinVar variation 3710553 (VCV003710553.2).